The following is an entry in ClinVar:

NM_001242957.3(MAK):c.745_746del (p.Leu249fs)

Gene: MAK (male germ cell associated kinase; minus strand). Cytogenetic location: 6p24.2.
Variant type: Microsatellite.
Coding change: c.745_746del on transcript NM_001242957.3 (MANE Select); coding-DNA positions 745 to 746, 2 bases deleted (CT; older notation c.745_746delCT).
Protein change: p.Leu249fs; shifts the reading frame from leucine 249.
Molecular consequence: frameshift variant. On other transcripts: non-coding transcript variant (2).
Genome position (GRCh38, 1-based): chr6:10,801,977-10,801,978, AG deleted on the plus strand (CT on the coding strand, the reverse complement: MAK is on the minus strand); deleting any 2 consecutive bases within chr6:10,801,977-10,801,980 gives the same sequence; the c. name uses the placement nearest the transcript's 3' end. VCF-style (leftmost placement, unchanged base first): chr6-10801976-AAG-A. GRCh37 (hg19) VCF-style: chr6-10802209-AAG-A.
Other names: c.643_644del, p.Leu215fs (NM_001377262.1); c.745_746del, p.Leu249fs (NM_005906.6, NM_001242385.2); short protein forms L215fs, L249fs.
Identifiers: ClinVar variation 1076443 (VCV001076443.7), dbSNP rs2127556217, ClinGen allele CA2580614836.

ClinVar aggregate classification (germline): Pathogenic (1 of 4 stars; one submission).

Submission:

Labcorp Genetics (formerly Invitae), Labcorp
Classification: Pathogenic. Last evaluated: 2020-10-27. Review status: criteria provided, single submitter. Criteria: Invitae Variant Classification Sherloc (09022015). Collection method: clinical testing. Allele origin: germline.
Comment: This sequence change creates a premature translational stop signal (p.Leu249Tyrfs*6) in the MAK gene. It is expected to result in an absent or disrupted protein product. Loss-of-function variants in MAK are known to be pathogenic (PMID: 21148103, 21825139, 24938718, 29781741). This variant is not present in population databases (ExAC no frequency). This variant has not been reported in the literature in individuals with MAK-related conditions. For these reasons, this variant has been classified as Pathogenic.

Literature cited by the submitters: PubMed 21148103; PubMed 21825139; PubMed 24938718; PubMed 29781741.